The following is an entry in ClinVar:

NM_006734.4(HIVEP2):c.4003C>T (p.Pro1335Ser)

Gene: HIVEP2 (HIVEP zinc finger 2; minus strand). Cytogenetic location: 6q24.2.
Variant type: single nucleotide variant.
Coding change: c.4003C>T on transcript NM_006734.4 (MANE Select); coding-DNA position 4003, C replaced by T.
Protein change: p.Pro1335Ser; replaces proline 1335 with serine.
Molecular consequence: missense variant.
Genome position (GRCh38, 1-based): chr6:142,770,736, G>A on the plus strand (C>T on the coding strand, the complement: HIVEP2 is on the minus strand). VCF-style: chr6-142770736-G-A. GRCh37 (hg19) VCF-style: chr6-143091873-G-A.
Other names: short protein forms P1335S.
Identifiers: ClinVar variation 3777516 (VCV003777516.1).
Genomic context (GRCh38, chr6:142,770,736, plus strand): 5'-GAGAAATGCTTGTGTACATGACACTTCCATAGGATGGTACGTGCGTCTGGATCCGAACAG[G>A]AACCACTGTTCCTGGGAGGGACTGCAAAGACCCAGCATTTGCCGAGGCAAAATCTTCTTG-3'
Protein context (NP_006725.3, residues 1325-1345): SLQSLPGTVV[Pro1335Ser]VRIQTHVPSY

ClinVar aggregate classification (germline): Uncertain significance (1 of 4 stars; one submission).

Submission:

GeneDx
Classification: Uncertain significance. Last evaluated: 2024-10-09. Review status: criteria provided, single submitter. Criteria: GeneDx Variant Classification Process June 2021. Collection method: clinical testing. Allele origin: germline. Affected: yes.
Comment: Not observed at significant frequency in large population cohorts (gnomAD); In silico analysis supports that this missense variant has a deleterious effect on protein structure/function; Has not been previously published as pathogenic or benign to our knowledge